The following is an entry in ClinVar:

ClinVar aggregate classification (germline): Uncertain significance (1 of 4 stars; one submission).

Allele frequency attached by ClinVar (database versions not stated): ExAC 0.00001; gnomAD exomes 0.00001; TOPMed 0.00001; gnomAD 0.00002.
gnomAD v4.1: 8 of 1,611,510 alleles (0.0005%); highest among the groups gnomAD compares: East Asian, 0.018%; no homozygotes.

Submission:

Labcorp Genetics (formerly Invitae), Labcorp
Classification: Uncertain significance. Last evaluated: 2024-10-28. Review status: criteria provided, single submitter. Criteria: Invitae Variant Classification Sherloc (09022015). Collection method: clinical testing. Allele origin: germline.
Comment: This sequence change replaces alanine, which is neutral and non-polar, with proline, which is neutral and non-polar, at codon 1748 of the RAI1 protein (p.Ala1748Pro). This variant is present in population databases (rs766253701, gnomAD 0.02%). This variant has not been reported in the literature in individuals affected with RAI1-related conditions. ClinVar contains an entry for this variant (Variation ID: 1440638). Invitae Evidence Modeling of protein sequence and biophysical properties (such as structural, functional, and spatial information, amino acid conservation, physicochemical variation, residue mobility, and thermodynamic stability) indicates that this missense variant is not expected to disrupt RAI1 protein function with a negative predictive value of 80%. In summary, the available evidence is currently insufficient to determine the role of this variant in disease. Therefore, it has been classified as a Variant of Uncertain Significance.

NM_030665.4(RAI1):c.5242G>C (p.Ala1748Pro)

Gene: RAI1 (retinoic acid induced 1; plus strand). Cytogenetic location: 17p11.2.
Variant type: single nucleotide variant.
Coding change: c.5242G>C on transcript NM_030665.4 (MANE Select); coding-DNA position 5242, G replaced by C.
Protein change: p.Ala1748Pro; replaces alanine 1748 with proline.
Molecular consequence: missense variant.
Genome position (GRCh38, 1-based): chr17:17,798,190, G>C. VCF-style: chr17-17798190-G-C. GRCh37 (hg19) VCF-style: chr17-17701504-G-C.
Other names: short protein forms A1748P.
Identifiers: ClinVar variation 1440638 (VCV001440638.8), dbSNP rs766253701, ClinGen allele CA8419119.